The following is an entry in ClinVar:

ClinVar aggregate classification (germline): Uncertain significance (1 of 4 stars; one submission).

gnomAD v4.1: 10 of 1,614,146 alleles (0.00062%); highest among the groups gnomAD compares: Non-Finnish European, 0.00085%; no homozygotes.

Submission:

Laboratory for Molecular Medicine, Mass General Brigham Personalized Medicine
Classification: Uncertain significance. Last evaluated: 2015-02-18. Review status: criteria provided, single submitter. Criteria: LMM Criteria. Collection method: clinical testing. Allele origin: germline. Observed: 1 variant allele.
Comment: The c.*13G>C variant in DTNA has not been previously reported in individuals wit h cardiomyopathy and was absent from large population studies. This variant is l ocated in the 3'UTR and its impact on the protein is unclear. In summary, the cl inical significance of the c.*13G>C variant is uncertain.

NM_001386795.1(DTNA):c.1743+2112G>C

Gene: DTNA (dystrobrevin alpha; plus strand). Cytogenetic location: 18q12.1.
Variant type: single nucleotide variant.
Coding change: c.1743+2112G>C on transcript NM_001386795.1 (MANE Select); 2112 bases into the intron after coding-DNA position 1743, G replaced by C.
Molecular consequence: intron variant. On other transcripts: 3 prime UTR variant (11).
Genome position (GRCh38, 1-based): chr18:34,866,174, G>C. VCF-style: chr18-34866174-G-C. GRCh37 (hg19) VCF-style: chr18-32446138-G-C.
Other names: c.*13G>C (NM_001198941.2, NM_001198945.2, NM_001386770.1 and 8 more transcripts); c.1491+2112G>C (NM_032975.4, NM_001386761.1); c.1488+2112G>C (NM_001386762.1); c.1572+2112G>C (NM_001386754.1, NM_001386755.1, NM_001386757.1 and 3 more transcripts); c.1569+2112G>C (NM_001386760.1); c.1482+2112G>C (NM_001386763.1, NM_001386764.1, NM_001198940.2 and 5 more transcripts); c.1479+2112G>C (NM_001386768.1, NM_001386769.1); c.1503+43G>C (NM_001198939.2); and 6 more.
Identifiers: ClinVar variation 228656 (VCV000228656.4), dbSNP rs876657802, ClinGen allele CA10577063.